The following is an entry in ClinVar:

NM_004523.4(KIF11):c.2258A>G (p.Asn753Ser)

Gene: KIF11 (kinesin family member 11; plus strand). Cytogenetic location: 10q23.33.
Variant type: single nucleotide variant.
Coding change: c.2258A>G on transcript NM_004523.4 (MANE Select); coding-DNA position 2258, A replaced by G.
Protein change: p.Asn753Ser; replaces asparagine 753 with serine.
Molecular consequence: missense variant.
Genome position (GRCh38, 1-based): chr10:92,639,891, A>G. VCF-style: chr10-92639891-A-G. GRCh37 (hg19) VCF-style: chr10-94399648-A-G.
Other names: short protein forms N753S.
Identifiers: ClinVar variation 2036796 (VCV002036796.4), dbSNP rs763195185, ClinGen allele CA5604363.

ClinVar aggregate classification (germline): Uncertain significance (1 of 4 stars; one submission).

Submission:

Labcorp Genetics (formerly Invitae), Labcorp
Classification: Uncertain significance. Last evaluated: 2022-03-30. Review status: criteria provided, single submitter. Criteria: Invitae Variant Classification Sherloc (09022015). Collection method: clinical testing. Allele origin: germline.
Comment: In summary, the available evidence is currently insufficient to determine the role of this variant in disease. Therefore, it has been classified as a Variant of Uncertain Significance. Algorithms developed to predict the effect of missense changes on protein structure and function output the following: SIFT: "Deleterious"; PolyPhen-2: "Benign"; Align-GVGD: "Class C15". The serine amino acid residue is found in multiple mammalian species, which suggests that this missense change does not adversely affect protein function. This variant has not been reported in the literature in individuals affected with KIF11-related conditions. This variant is present in population databases (rs763195185, gnomAD 0.006%). This sequence change replaces asparagine, which is neutral and polar, with serine, which is neutral and polar, at codon 753 of the KIF11 protein (p.Asn753Ser).